The following is an entry in ClinVar:

NM_000368.5(TSC1):c.3155dup (p.His1053fs)

Gene: TSC1 (TSC complex subunit 1; minus strand). Cytogenetic location: 9q34.13.
Variant type: Duplication.
Coding change: c.3155dup on transcript NM_000368.5 (MANE Select); coding-DNA position 3155, one base duplicated (C; older notation c.3155dupC).
Protein change: p.His1053fs; shifts the reading frame from histidine 1053.
Molecular consequence: frameshift variant. On other transcripts: non-coding transcript variant (5).
Genome position (GRCh38, 1-based): chr9:132,896,575, G duplicated on the plus strand (C on the coding strand, the reverse complement: TSC1 is on the minus strand); the first of 5 consecutive G bases (chr9:132,896,575-132,896,579); duplicating any one gives the same sequence. VCF-style (leftmost placement, unchanged base first): chr9-132896574-T-TG. GRCh37 (hg19) VCF-style: chr9-135771961-T-TG.
Other names: c.3152dup, p.His1052fs (NM_001162426.2, NM_001406597.1, NM_001406598.1 and 2 more transcripts); c.3002dup, p.His1002fs (NM_001162427.2, NM_001406610.1); c.2792dup, p.His932fs (NM_001362177.2, NM_001406614.1, NM_001406615.1 and 4 more transcripts); c.3155dup, p.His1053fs (NM_001406592.1, NM_001406593.1, NM_001406594.1 and 2 more transcripts); c.3113dup, p.His1039fs (NM_001406605.1, NM_001406606.1, NM_001406607.1); c.3110dup, p.His1038fs (NM_001406608.1, NM_001406609.1); c.2999dup, p.His1001fs (NM_001406611.1, NM_001406612.1); c.2789dup, p.His931fs (NM_001406623.1, NM_001406620.1, NM_001406621.1 and 1 more transcripts); and 8 more; short protein forms H1001fs, H1002fs, H1038fs, H1039fs, H1047fs, H1048fs, H1052fs, H1053fs.
Identifiers: ClinVar variation 4886258 (VCV004886258.2).

ClinVar aggregate classification (germline): Uncertain significance (1 of 4 stars; one submission).

Submission:

Dasa
Classification: Uncertain significance. Last evaluated: 2026-01-09. Review status: criteria provided, single submitter. Criteria: DASA Assertion Criteria. Collection method: clinical testing. Allele origin: germline.
Comment: NM_000368.5(TSC1):c.3155dup (p.His1053Thrfs*46) is a frameshift variant in TSC1 predicted to alter the reading frame and introduce a premature termination codon and is predicted to result in an absent or altered protein product. This variant is rare in population databases. The currently available literature and clinical evidence are not sufficient to establish a definitive association between this variant and the reported condition. Therefore, this variant is classified as a variant of uncertain significance.